The following is an entry in ClinVar:

ClinVar aggregate classification (germline): Uncertain significance (1 of 4 stars; one submission).

Conditions:
Developmental delay with autism spectrum disorder and gait instability (MRT38). Also called: Intellectual developmental disorder, autosomal recessive 38. Identifiers: Orphanet 329195, MedGen C3809753, MONDO:0014224, OMIM 615516.

Submission:

Baylor Genetics
Classification: Uncertain significance for Developmental delay with autism spectrum disorder and gait instability. Last evaluated: 2018-07-13. Review status: criteria provided, single submitter. Criteria: ACMG Guidelines, 2015. Collection method: clinical testing. Allele origin: unknown. Affected: yes.
Comment: This variant was determined to be of uncertain significance according to ACMG Guidelines, 2015 [PMID:25741868].

NM_004667.6(HERC2):c.4342G>A (p.Glu1448Lys)

Gene: HERC2 (HECT and RLD domain containing E3 ubiquitin protein ligase 2; minus strand). Cytogenetic location: 15q13.1.
Variant type: single nucleotide variant.
Coding change: c.4342G>A on transcript NM_004667.6 (MANE Select); coding-DNA position 4342, G replaced by A.
Protein change: p.Glu1448Lys; replaces glutamic acid 1448 with lysine.
Molecular consequence: missense variant.
Genome position (GRCh38, 1-based): chr15:28,233,673, C>T on the plus strand (G>A on the coding strand, the complement: HERC2 is on the minus strand). VCF-style: chr15-28233673-C-T. GRCh37 (hg19) VCF-style: chr15-28478819-C-T.
Other names: short protein forms E1448K.
Identifiers: ClinVar variation 1031463 (VCV001031463.1), dbSNP rs1902120163, ClinGen allele CA391384759.